The following is an entry in ClinVar:

ClinVar aggregate classification (germline): Uncertain significance. Review status: criteria provided, multiple submitters, no conflicts (2 of 4 stars). 2 submissions from 2 submitters: Uncertain significance (2). Last evaluated 2022-06-10.

Conditions:
Facioscapulohumeral muscular dystrophy 2 (FSHD2). Also called: FACIOSCAPULOHUMERAL MUSCULAR DYSTROPHY 2, DIGENIC; FSHD2, DIGENIC; MUSCULAR DYSTROPHY, FACIOSCAPULOHUMERAL, TYPE 1B. Identifiers: Orphanet 269, MedGen C1834671, MONDO:0008031, OMIM 158901.

Allele frequency attached by ClinVar (database versions not stated): TOPMed 0.00001; ExAC 0.00002; gnomAD 0.00002; 1000 Genomes Project 30x 0.00016; 1000 Genomes Project 0.00020.
gnomAD v4.1: 8 of 1,590,004 alleles (0.0005%); highest among the groups gnomAD compares: Non-Finnish European, 0.00069%; no homozygotes.

Submissions (2):

Labcorp Genetics (formerly Invitae), Labcorp
Classification: Uncertain significance for Facioscapulohumeral muscular dystrophy 2. Last evaluated: 2022-06-10. Review status: criteria provided, single submitter. Criteria: Invitae Variant Classification Sherloc (09022015). Collection method: clinical testing. Allele origin: germline.
Comment: In summary, the available evidence is currently insufficient to determine the role of this variant in disease. Therefore, it has been classified as a Variant of Uncertain Significance. Algorithms developed to predict the effect of missense changes on protein structure and function (SIFT, PolyPhen-2, Align-GVGD) all suggest that this variant is likely to be disruptive. This variant has not been reported in the literature in individuals affected with SMCHD1-related conditions. The frequency data for this variant in the population databases is considered unreliable, as metrics indicate poor data quality at this position in the gnomAD database. This sequence change replaces valine, which is neutral and non-polar, with aspartic acid, which is acidic and polar, at codon 678 of the SMCHD1 protein (p.Val678Asp).

Revvity Omics, Revvity
Classification: Uncertain significance. Last evaluated: 2019-11-17. Review status: criteria provided, single submitter. Criteria: ACMG Guidelines, 2015. Collection method: clinical testing. Allele origin: germline.

NM_015295.3(SMCHD1):c.2033T>A (p.Val678Asp)

Gene: SMCHD1 (structural maintenance of chromosomes flexible hinge domain containing 1; plus strand). Cytogenetic location: 18p11.32.
Variant type: single nucleotide variant.
Coding change: c.2033T>A on transcript NM_015295.3 (MANE Select); coding-DNA position 2033, T replaced by A.
Protein change: p.Val678Asp; replaces valine 678 with aspartic acid.
Molecular consequence: missense variant.
Genome position (GRCh38, 1-based): chr18:2,706,440, T>A. VCF-style: chr18-2706440-T-A. GRCh37 (hg19) VCF-style: chr18-2706438-T-A.
Other names: c.2033T>A (NM_015295.2); short protein forms V678D.
Identifiers: ClinVar variation 2050738 (VCV002050738.7), dbSNP rs188187431, ClinGen allele CA8870861.